The following is an entry in ClinVar:

NM_001184.4(ATR):c.3918C>T (p.Ser1306=)

Gene: ATR (ATR checkpoint kinase; minus strand). Cytogenetic location: 3q23.
Variant type: single nucleotide variant.
Coding change: c.3918C>T on transcript NM_001184.4 (MANE Select); coding-DNA position 3918, C replaced by T.
Protein change: p.Ser1306=; no amino-acid change (serine 1306 retained).
Molecular consequence: synonymous variant.
Genome position (GRCh38, 1-based): chr3:142,535,107, G>A on the plus strand (C>T on the coding strand, the complement: ATR is on the minus strand). VCF-style: chr3-142535107-G-A. GRCh37 (hg19) VCF-style: chr3-142253949-G-A.
Other names: c.3726C>T, p.Ser1242= (NM_001354579.2).
Identifiers: ClinVar variation 1736158 (VCV001736158.7), dbSNP rs1443114385, ClinGen allele CA436119699.

ClinVar aggregate classification (germline): Likely benign. Review status: criteria provided, multiple submitters, no conflicts (2 of 4 stars). 3 submissions from 3 submitters: Likely benign (2). 1 of the submissions does not count toward it. Last evaluated 2024-05-29.

Conditions:
Inborn genetic diseases. Identifiers: MedGen C0950123, MeSH D030342.
ATR-related disorder. Also called: ATR-related condition.

Allele frequency attached by ClinVar (database versions not stated): gnomAD exomes below 0.00001; TOPMed below 0.00001; gnomAD 0.00001.
gnomAD v4.1: 3 of 1,612,474 alleles (0.00019%); highest among the groups gnomAD compares: Non-Finnish European, 0.00025%; no homozygotes.

Submissions (3):

Labcorp Genetics (formerly Invitae), Labcorp
Classification: Likely benign. Last evaluated: 2024-05-29. Review status: criteria provided, single submitter. Criteria: Invitae Variant Classification Sherloc (09022015). Collection method: clinical testing. Allele origin: germline.

Ambry Genetics
Classification: Likely benign for Inborn genetic diseases. Last evaluated: 2022-10-31. Review status: criteria provided, single submitter. Criteria: Ambry Variant Classification Scheme 2023. Collection method: clinical testing. Allele origin: germline.

PreventionGenetics, part of Exact Sciences
Classification: Likely benign for ATR-related condition. Last evaluated: 2021-10-12. Review status: no assertion criteria provided. Collection method: clinical testing. Allele origin: germline. Not counted in ClinVar's aggregate classification.
Comment: This variant is classified as likely benign based on ACMG/AMP sequence variant interpretation guidelines (Richards et al. 2015 PMID: 25741868, with internal and published modifications).